The following is an entry in ClinVar:

ClinVar aggregate classification (germline): Pathogenic. Review status: criteria provided, multiple submitters, no conflicts (2 of 4 stars). 2 submissions from 2 submitters: Pathogenic (2). Last evaluated 2023-01-11.

Conditions:
Cardiovascular phenotype. Identifiers: MedGen CN230736.
Hereditary cancer-predisposing syndrome. Also called: Tumor predisposition; Hereditary Cancer Syndrome; Hereditary neoplastic syndrome; Neoplastic Syndromes, Hereditary. Identifiers: Orphanet 140162, MedGen C0027672, MeSH D009386, MONDO:0015356.
Neurofibromatosis, type 1 (NF1). Also called: Peripheral type neurofibromatosis; VON RECKLINGHAUSEN DISEASE; NEUROFIBROMATOSIS, TYPE I, SOMATIC; Neurofibromatosis, type I. Identifiers: Orphanet 636, MedGen C0027831, MONDO:0018975, OMIM 162200. Disease mechanism: loss of function.

Submissions (2):

Ambry Genetics
Classification: Pathogenic for Cardiovascular phenotype; Hereditary cancer-predisposing syndrome. Last evaluated: 2023-01-11. Review status: criteria provided, single submitter. Criteria: Ambry Variant Classification Scheme 2023. Collection method: clinical testing. Allele origin: germline.
Comment: The c.7899delT pathogenic mutation, located in coding exon 53 of the NF1 gene, results from a deletion of one nucleotide at nucleotide position 7899, causing a translational frameshift with a predicted alternate stop codon (p.P2634Lfs*24). This variant was identified in 1 of 565 unrelated French probands with clinical diagnoses or suspicion of NF1 (Sabbagh A et al. Hum Mutat, 2013 Nov;34:1510-8; Kluwe L et al. Hum Mutat, 2002 Mar;19:309). In addition to the clinical data presented in the literature, this alteration is expected to result in loss of function by premature protein truncation or nonsense-mediated mRNA decay. As such, this alteration is interpreted as a disease-causing mutation.

Labcorp Genetics (formerly Invitae), Labcorp
Classification: Pathogenic for Neurofibromatosis, type 1. Last evaluated: 2022-09-24. Review status: criteria provided, single submitter. Criteria: Invitae Variant Classification Sherloc (09022015). Collection method: clinical testing. Allele origin: germline.
Comment: This sequence change creates a premature translational stop signal (p.Pro2634Leufs*24) in the NF1 gene. It is expected to result in an absent or disrupted protein product. Loss-of-function variants in NF1 are known to be pathogenic (PMID: 10712197, 23913538). This variant is not present in population databases (gnomAD no frequency). This premature translational stop signal has been observed in individual(s) with neurofibromatosis type 1 (PMID: 11857752). For these reasons, this variant has been classified as Pathogenic.

Literature cited by the submitters: PubMed 10712197 (cited by Labcorp Genetics (formerly Invitae), Labcorp); PubMed 23913538 (cited by Labcorp Genetics (formerly Invitae), Labcorp); PubMed 11857752 (cited by Labcorp Genetics (formerly Invitae), Labcorp).

NM_001042492.3(NF1):c.7962del (p.Pro2655fs)

Gene: NF1 (neurofibromin 1; plus strand). Cytogenetic location: 17q11.2.
Variant type: Deletion.
Coding change: c.7962del on transcript NM_001042492.3 (MANE Select); coding-DNA position 7962, one base deleted (T; older notation c.7962delT).
Protein change: p.Pro2655fs; shifts the reading frame from proline 2655.
Molecular consequence: frameshift variant.
Genome position (GRCh38, 1-based): chr17:31,357,361, T deleted; the last of 3 consecutive T bases (chr17:31,357,359-31,357,361); deleting any one gives the same sequence. VCF-style (leftmost placement, unchanged base first): chr17-31357358-CT-C. GRCh37 (hg19) VCF-style: chr17-29684376-CT-C.
Other names: c.7899delT, p.Pro2634Leufs (NM_000267.4); c.7899delT (NM_000267.3); short protein forms P2634fs, P2655fs.
Identifiers: ClinVar variation 2138006 (VCV002138006.5), dbSNP rs2151583446, ClinGen allele CA658761048.
Genomic context (GRCh38, chr17:31,357,358, plus strand): 5'-GTTTGATCAACGAATTCTTTATGAATACTTAGCAGAGGCCAGTGTTGTGTTTCCCAAAGT[CT>C]TTCCTGTTGTGTAAGTATCTCCTTTTGATTTTAATTCACCTTCGTGCCTGTCTTTAAGTT-3'